The following is an entry in ClinVar:

ClinVar aggregate classification (germline): Conflicting classifications of pathogenicity. Review status: criteria provided, conflicting classifications (1 of 4 stars). 2 submissions from 2 submitters: Uncertain significance (1); Likely benign (1). Last evaluated 2025-06-24.

Conditions:
Inborn genetic diseases. Identifiers: MedGen C0950123, MeSH D030342.

Allele frequency attached by ClinVar (database versions not stated): gnomAD exomes 0.00004; TOPMed 0.00004; gnomAD 0.00006; ESP Exome Variant Server 0.00008; ExAC 0.00012; 1000 Genomes Project 0.00040; 1000 Genomes Project 30x 0.00047.
gnomAD v4.1: 77 of 1,613,588 alleles (0.0048%); highest among the groups gnomAD compares: South Asian, 0.04%; no homozygotes.

Submissions (2):

Ambry Genetics
Classification: Likely benign for Inborn genetic diseases. Last evaluated: 2025-06-24. Review status: criteria provided, single submitter. Criteria: Ambry Variant Classification Scheme 2023. Collection method: clinical testing. Allele origin: germline.

Labcorp Genetics (formerly Invitae), Labcorp
Classification: Uncertain significance. Last evaluated: 2022-10-24. Review status: criteria provided, single submitter. Criteria: Invitae Variant Classification Sherloc (09022015). Collection method: clinical testing. Allele origin: germline.
Comment: This sequence change replaces alanine, which is neutral and non-polar, with valine, which is neutral and non-polar, at codon 1255 of the DOCK6 protein (p.Ala1255Val). This variant is present in population databases (rs200408941, gnomAD 0.06%). This variant has not been reported in the literature in individuals affected with DOCK6-related conditions. Advanced modeling of protein sequence and biophysical properties (such as structural, functional, and spatial information, amino acid conservation, physicochemical variation, residue mobility, and thermodynamic stability) performed at Invitae indicates that this missense variant is not expected to disrupt DOCK6 protein function. In summary, the available evidence is currently insufficient to determine the role of this variant in disease. Therefore, it has been classified as a Variant of Uncertain Significance.

NM_020812.4(DOCK6):c.3764C>T (p.Ala1255Val)

Genes: DOCK6 (dedicator of cytokinesis 6; minus strand), DOCK6-AS1 (DOCK6 antisense RNA 1; plus strand). Cytogenetic location: 19p13.2.
Variant type: single nucleotide variant.
Coding change: c.3764C>T on transcript NM_020812.4 (MANE Select); coding-DNA position 3764, C replaced by T.
Protein change: p.Ala1255Val; replaces alanine 1255 with valine.
Molecular consequence: missense variant.
Genome position (GRCh38, 1-based): chr19:11,217,044, G>A on the plus strand (C>T on the coding strand, the complement: DOCK6 is on the minus strand). VCF-style: chr19-11217044-G-A. GRCh37 (hg19) VCF-style: chr19-11327720-G-A.
Other names: c.3869C>T, p.Ala1290Val (NM_001367830.1); c.3764C>T (NM_020812.2); short protein forms A1255V, A1290V.
Identifiers: ClinVar variation 2162734 (VCV002162734.2), dbSNP rs200408941, ClinGen allele CA9207133.